The following is an entry in ClinVar:

NM_001277115.2(DNAH11):c.11042T>C (p.Val3681Ala)

Gene: DNAH11 (dynein axonemal heavy chain 11; plus strand). Cytogenetic location: 7p15.3.
Variant type: single nucleotide variant.
Coding change: c.11042T>C on transcript NM_001277115.2 (MANE Select); coding-DNA position 11042, T replaced by C.
Protein change: p.Val3681Ala; replaces valine 3681 with alanine.
Molecular consequence: missense variant.
Genome position (GRCh38, 1-based): chr7:21,852,612, T>C. VCF-style: chr7-21852612-T-C. GRCh37 (hg19) VCF-style: chr7-21892230-T-C.
Other names: short protein forms V3681A.
Identifiers: ClinVar variation 1130408 (VCV001130408.15), dbSNP rs372733227, ClinGen allele CA4182582.

ClinVar aggregate classification (germline): Conflicting classifications of pathogenicity. Review status: criteria provided, conflicting classifications (1 of 4 stars). 5 submissions from 5 submitters: Uncertain significance (1); Likely benign (3). 1 of the submissions does not count toward it. Last evaluated 2025-12-06.

Conditions:
DNAH11-related disorder. Also called: DNAH11-related condition.
Primary ciliary dyskinesia. Also called: Ciliary dyskinesia. Identifiers: Orphanet 244, MedGen C0008780, MONDO:0016575, HP:0012265.
Primary ciliary dyskinesia 7. Also called: CILIARY DYSKINESIA, PRIMARY, 7, WITH OR WITHOUT SITUS INVERSUS. Identifiers: Orphanet 244, MedGen C2678473, MONDO:0012748, OMIM 611884.

Allele frequency attached by ClinVar (database versions not stated): TOPMed 0.00003; gnomAD exomes 0.00007 and 0.00021; gnomAD 0.00010 and 0.00016; ExAC 0.00025; 1000 Genomes Project 30x 0.00109; 1000 Genomes Project 0.00120.
gnomAD v4.1: 160 of 1,599,936 alleles (0.01%); highest among the groups gnomAD compares: South Asian, 0.12%; 2 homozygotes.

Submissions (5):

Labcorp Genetics (formerly Invitae), Labcorp
Classification: Likely benign for Primary ciliary dyskinesia. Last evaluated: 2025-12-06. Review status: criteria provided, single submitter. Criteria: Invitae Variant Classification Sherloc (09022015). Collection method: clinical testing. Allele origin: germline.

Blueprint Genetics
Classification: Likely benign. Last evaluated: 2024-11-11. Review status: criteria provided, single submitter. Criteria: ACMG Guidelines, 2015. Collection method: clinical testing. Allele origin: germline.

Johns Hopkins Genomics, Johns Hopkins University
Classification: Uncertain significance for Primary ciliary dyskinesia 7. Last evaluated: 2024-01-12. Review status: criteria provided, single submitter. Criteria: ACMG Guidelines, 2015. Collection method: clinical testing. Allele origin: germline.
Comment: This DNAH11 missense variant (rs372733227) is rare (<0.1%) in a large population dataset (gnomAD v4.0.0: 160/1599936 total alleles; 0.01%; 2 homozygotes). It has been reported in ClinVar (Variation ID 1130408), but has not been reported in the literature, to our knowledge. Two bioinformatic tools queried predict that this substitution would be tolerated, and the valine residue at this position is evolutionarily conserved across very few of the species assessed, with most species having alanine. We consider the clinical significance of c.11042T>C in DNAH11 to be uncertain at this time.

Ambry Genetics
Classification: Likely benign for Primary ciliary dyskinesia. Last evaluated: 2020-03-03. Review status: criteria provided, single submitter. Criteria: Ambry Variant Classification Scheme 2023. Collection method: clinical testing. Allele origin: germline.

PreventionGenetics, part of Exact Sciences
Classification: Likely benign for DNAH11-related condition. Last evaluated: 2022-07-26. Review status: no assertion criteria provided. Collection method: clinical testing. Allele origin: germline. Not counted in ClinVar's aggregate classification.
Comment: This variant is classified as likely benign based on ACMG/AMP sequence variant interpretation guidelines (Richards et al. 2015 PMID: 25741868, with internal and published modifications).